The following is an entry in ClinVar:

NM_001184.4(ATR):c.4405A>G (p.Thr1469Ala)

Gene: ATR (ATR checkpoint kinase; minus strand). Cytogenetic location: 3q23.
Variant type: single nucleotide variant.
Coding change: c.4405A>G on transcript NM_001184.4 (MANE Select); coding-DNA position 4405, A replaced by G.
Protein change: p.Thr1469Ala; replaces threonine 1469 with alanine.
Molecular consequence: missense variant.
Genome position (GRCh38, 1-based): chr3:142,515,493, T>C on the plus strand (A>G on the coding strand, the complement: ATR is on the minus strand). VCF-style: chr3-142515493-T-C. GRCh37 (hg19) VCF-style: chr3-142234335-T-C.
Other names: c.4213A>G, p.Thr1405Ala (NM_001354579.2); short protein forms T1469A, T1405A.
Identifiers: ClinVar variation 389064 (VCV000389064.13), dbSNP rs78895258, ClinGen allele CA2649857.

ClinVar aggregate classification (germline): Uncertain significance. Review status: criteria provided, multiple submitters, no conflicts (2 of 4 stars). 9 submissions from 8 submitters: Uncertain significance (7). 2 of the submissions do not count toward it. Last evaluated 2025-04-01.

Conditions:
Seckel syndrome 1 (SCKL1). Also called: MICROCEPHALIC PRIMORDIAL DWARFISM I. Identifiers: Orphanet 808, MedGen C4551474, MONDO:0008869, OMIM 210600.
Familial cutaneous telangiectasia and oropharyngeal predisposition cancer syndrome. Identifiers: Orphanet 313846, MedGen C3281203, MONDO:0013806, OMIM 614564.

Allele frequency attached by ClinVar (database versions not stated): gnomAD 0.00036 and 0.00039; TOPMed 0.00036; ESP Exome Variant Server 0.00038; gnomAD exomes 0.00043 and 0.00049; ExAC 0.00049; 1000 Genomes Project 0.00060; 1000 Genomes Project 30x 0.00062.
gnomAD v4.1: 786 of 1,611,830 alleles (0.049%); highest among the groups gnomAD compares: South Asian, 0.1%; 2 homozygotes.

Submissions (9):

Dasa
Classification: Uncertain significance. Last evaluated: 2025-04-01. Review status: criteria provided, single submitter. Criteria: DASA Assertion Criteria. Collection method: clinical testing. Allele origin: germline.
Comment: NM_001184.4(ATR):c.4405A>G (p.Thr1469Ala) is a missense variant that results in the substitution of threonine with alanine. This variant is rare in population databases. Computational prediction algorithms are consistent with a benign effect. The currently available literature and clinical evidence are not sufficient to establish a definitive association between this variant and the reported condition. Therefore, this variant is classified as a variant of uncertain significance.

Blueprint Genetics
Classification: Uncertain significance. Last evaluated: 2024-09-12. Review status: criteria provided, single submitter. Criteria: ACMG Guidelines, 2015. Collection method: clinical testing. Allele origin: germline.

Genome-Nilou Lab
Classification: Uncertain significance for Seckel syndrome 1. Last evaluated: 2023-02-08. Review status: criteria provided, single submitter. Criteria: ACMG Guidelines, 2015. Collection method: clinical testing. Allele origin: germline.

Genome-Nilou Lab
Classification: Uncertain significance for Familial cutaneous telangiectasia and oropharyngeal predisposition cancer syndrome. Last evaluated: 2023-02-08. Review status: criteria provided, single submitter. Criteria: ACMG Guidelines, 2015. Collection method: clinical testing. Allele origin: germline.

Labcorp Genetics (formerly Invitae), Labcorp
Classification: Uncertain significance. Last evaluated: 2022-10-26. Review status: criteria provided, single submitter. Criteria: Invitae Variant Classification Sherloc (09022015). Collection method: clinical testing. Allele origin: germline.
Comment: This sequence change replaces threonine, which is neutral and polar, with alanine, which is neutral and non-polar, at codon 1469 of the ATR protein (p.Thr1469Ala). This variant is present in population databases (rs78895258, gnomAD 0.1%). This variant has not been reported in the literature in individuals affected with ATR-related conditions. ClinVar contains an entry for this variant (Variation ID: 389064). Algorithms developed to predict the effect of missense changes on protein structure and function (SIFT, PolyPhen-2, Align-GVGD) all suggest that this variant is likely to be tolerated. In summary, the available evidence is currently insufficient to determine the role of this variant in disease. Therefore, it has been classified as a Variant of Uncertain Significance.

Fulgent Genetics
Classification: Uncertain significance for Seckel syndrome 1; Familial cutaneous telangiectasia and oropharyngeal predisposition cancer syndrome. Last evaluated: 2022-03-15. Review status: criteria provided, single submitter. Criteria: ACMG Guidelines, 2015. Collection method: clinical testing. Allele origin: unknown.

GeneDx
Classification: Uncertain significance. Last evaluated: 2016-09-06. Review status: criteria provided, single submitter. Criteria: GeneDx Variant Classification (06012015). Collection method: clinical testing. Allele origin: germline. Affected: yes.
Comment: A variant of uncertain significance has been identified in the ATR gene. The T1469A variant has not been published as a pathogenic variant, nor has it been reported as a benign variant to our knowledge. The T1469A variant was not observed with any significant frequency in approximately 6,500 individuals of European and African American ancestry in the NHLBI Exome Sequencing Project, but the 1000 Genomes Project reports it was observed in 3/1006 (0.3%) alleles from individuals of European background. The T1469A variant is a non-conservative amino acid substitution, which is likely to impact secondary protein structure as these residues differ in polarity, charge, size and/or other properties. This substitution occurs at a position that is conserved in mammals. However, in silico analysis predicts this variant likely does not alter the protein structure/function. Therefore, based on the currently available information, it is unclear whether this variant is a pathogenic variant or a rare benign variant.

Clinical Genetics DNA and cytogenetics Diagnostics Lab, Erasmus MC, Erasmus Medical Center
Classification: Likely benign. Review status: no assertion criteria provided. Collection method: clinical testing. Allele origin: germline. Affected: yes. Study: VKGL Data-share Consensus. Not counted in ClinVar's aggregate classification.

Laboratory of Diagnostic Genome Analysis, Leiden University Medical Center (LUMC)
Classification: Likely benign. Review status: no assertion criteria provided. Collection method: clinical testing. Allele origin: germline. Affected: yes. Study: VKGL Data-share Consensus. Not counted in ClinVar's aggregate classification.